The following is an entry in ClinVar:

ClinVar aggregate classification (germline): Pathogenic/Likely pathogenic. Review status: criteria provided, multiple submitters, no conflicts (2 of 4 stars). 6 submissions from 6 submitters: Pathogenic (3); Likely pathogenic (1). 2 of the submissions do not count toward it. Last evaluated 2025-08-04.

Conditions:
Aicardi-Goutieres syndrome 5. Identifiers: Orphanet 51, MedGen C2749659, MONDO:0013059, OMIM 612952.
Chilblain lupus 2 (CHBL2). Identifiers: MedGen C3280721, MONDO:0013739, OMIM 614415.
Aicardi Goutieres syndrome (AGS). Also called: Encephalopathy, familial infantile, with calcification of basal ganglia and chronic cerebrospinal fluid lymphocytosis. Identifiers: Orphanet 51, MedGen C0393591, MONDO:0018866.

Allele frequency attached by ClinVar (database versions not stated): gnomAD exomes below 0.00001; ExAC 0.00001; gnomAD 0.00001; TOPMed 0.00001; ESP Exome Variant Server 0.00008.
gnomAD v4.1: 9 of 1,613,890 alleles (0.00056%); highest among the groups gnomAD compares: Non-Finnish European, 0.00068%; no homozygotes.

Submissions (6):

Mayo Clinic Laboratories, Mayo Clinic
Classification: Pathogenic. Last evaluated: 2025-08-04. Review status: criteria provided, single submitter. Criteria: ACMG Guidelines, 2015. Collection method: clinical testing. Allele origin: germline. Observed: 1 variant allele.
Comment: PP1, PP4, PM2_supporting, PM3, PS3_supporting, PVS1

Labcorp Genetics (formerly Invitae), Labcorp
Classification: Pathogenic for Aicardi-Goutieres syndrome 5. Last evaluated: 2025-03-27. Review status: criteria provided, single submitter. Criteria: Invitae Variant Classification Sherloc (09022015). Collection method: clinical testing. Allele origin: germline.
Comment: This sequence change creates a premature translational stop signal (p.Arg164*) in the SAMHD1 gene. It is expected to result in an absent or disrupted protein product. Loss-of-function variants in SAMHD1 are known to be pathogenic (PMID: 19525956, 22461318). This variant is present in population databases (rs267607027, gnomAD 0.0009%). This premature translational stop signal has been observed in individual(s) with Aicardi-Goutieres syndrome (PMID: 20842748, 22174685). It has also been observed to segregate with disease in related individuals. ClinVar contains an entry for this variant (Variation ID: 4069). For these reasons, this variant has been classified as Pathogenic.

Fulgent Genetics
Classification: Pathogenic for Aicardi-Goutieres syndrome 5; Chilblain lupus 2. Last evaluated: 2024-05-29. Review status: criteria provided, single submitter. Criteria: ACMG Guidelines, 2015. Collection method: clinical testing. Allele origin: germline.

Broad Center for Mendelian Genomics, Broad Institute of MIT and Harvard
Classification: Likely pathogenic for Aicardi-Goutieres syndrome 5. Last evaluated: 2018-12-03. Review status: criteria provided, single submitter. Criteria: ACMG Guidelines, 2015. Collection method: research. Allele origin: germline. Inheritance: Autosomal recessive inheritance. Affected: yes.
Comment: The homozygous p.Arg164Ter variant in SAMHD1 was identified by our study in two unrelated individuals with Aicardi-Goutieres syndrome. This variant was absent from large population studies and has been reported pathogenic by OMIM in ClinVar (Variation ID: 4069). The presence of this variant in combination with a variant reported pathogenic by OMIM in ClinVar (Variation ID: 4067) and in two siblings with Aicardi-Goutieres syndrome increases the likelihood that the p.Arg164Ter variant is pathogenic (PMID: 20358604). This nonsense variant leads to a premature termination codon at position 164, which is predicted to lead to a truncated or absent protein. At least two loss of function variants across multiple exons have been reported in association with Aicardi-Goutieres in ClinVar. Loss of function of the SAMHD1 gene is a moderately established disease mechanism in autosomal recessive Aicardi-Goutieres syndrome. In summary, although additional studies are required to fully establish its clinical significance, this variant is likely pathogenic. ACMG/AMP Criteria applied: PM2, PVS1_Moderate, PP1, PM3_Supporting (Richards 2015).

Natera, Inc.
Classification: Pathogenic for Aicardi-Goutieres syndrome. Last evaluated: 2020-10-19. Review status: no assertion criteria provided. Collection method: clinical testing. Allele origin: germline. Not counted in ClinVar's aggregate classification.

OMIM
Classification: Pathogenic for AICARDI-GOUTIERES SYNDROME 5. Last evaluated: 2010-04-01. Review status: no assertion criteria provided. Collection method: literature only. Allele origin: germline. Not counted in ClinVar's aggregate classification.

Literature cited by the submitters: PubMed 20358604 (cited by 3 submitters); PubMed 20842748 (cited by 3 submitters); PubMed 22174685 (cited by 3 submitters); PubMed 22461318 (cited by Mayo Clinic Laboratories, Mayo Clinic and Labcorp Genetics (formerly Invitae), Labcorp); PubMed 27943079 (cited by Mayo Clinic Laboratories, Mayo Clinic); PubMed 31319225 (cited by Mayo Clinic Laboratories, Mayo Clinic); PubMed 33307271 (cited by Mayo Clinic Laboratories, Mayo Clinic); PubMed 34791078 (cited by Mayo Clinic Laboratories, Mayo Clinic); PubMed 36964972 (cited by Mayo Clinic Laboratories, Mayo Clinic); PubMed 19525956 (cited by Labcorp Genetics (formerly Invitae), Labcorp).

NM_015474.4(SAMHD1):c.490C>T (p.Arg164Ter)

Gene: SAMHD1 (SAM and HD domain containing deoxynucleoside triphosphate triphosphohydrolase 1; minus strand). Cytogenetic location: 20q11.23.
Variant type: single nucleotide variant.
Coding change: c.490C>T on transcript NM_015474.4 (MANE Select); coding-DNA position 490, C replaced by T.
Protein change: p.Arg164Ter; replaces arginine 164 with a stop codon.
Molecular consequence: nonsense.
Genome position (GRCh38, 1-based): chr20:36,935,048, G>A on the plus strand (C>T on the coding strand, the complement: SAMHD1 is on the minus strand). VCF-style: chr20-36935048-G-A. GRCh37 (hg19) VCF-style: chr20-35563451-G-A.
Other names: p.Arg164*; c.490C>T, p.Arg164Ter (NM_001363729.2, NM_001363733.2); short protein forms R164*.
Identifiers: ClinVar variation 4069 (VCV000004069.12), dbSNP rs267607027, ClinGen allele CA252975.
Genomic context (GRCh38, chr20:36,935,048, plus strand): 5'-TACTTAAAAACTGCAAGTTCCCCACCCCATTCCCTTCTTACCCTAGACTATGCTCAAATC[G>A]ATTGTGTGAAGCTCCTGGAAAAACATAGTAACCACCTCCCAGCTGTTTGATGTATCGAAG-3'